The following is an entry in ClinVar:

ClinVar aggregate classification (germline): Pathogenic (1 of 4 stars; one submission).

Submission:

Labcorp Genetics (formerly Invitae), Labcorp
Classification: Pathogenic. Last evaluated: 2024-03-09. Review status: criteria provided, single submitter. Criteria: Invitae Variant Classification Sherloc (09022015). Collection method: clinical testing. Allele origin: germline.
Comment: This sequence change creates a premature translational stop signal (p.Trp180*) in the PHEX gene. It is expected to result in an absent or disrupted protein product. Loss-of-function variants in PHEX are known to be pathogenic (PMID: 9097956, 9106524, 19219621). This variant is not present in population databases (gnomAD no frequency). This variant has not been reported in the literature in individuals affected with PHEX-related conditions. For these reasons, this variant has been classified as Pathogenic.

Literature cited by the submitters: PubMed 9097956; PubMed 9106524; PubMed 19219621.

NM_000444.6(PHEX):c.539G>A (p.Trp180Ter)

Gene: PHEX (phosphate regulating endopeptidase X-linked; plus strand). Cytogenetic location: Xp22.11.
Variant type: single nucleotide variant.
Coding change: c.539G>A on transcript NM_000444.6 (MANE Select); coding-DNA position 539, G replaced by A.
Protein change: p.Trp180Ter; replaces tryptophan 180 with a stop codon.
Molecular consequence: nonsense.
Genome position (GRCh38, 1-based): chrX:22,077,578, G>A. VCF-style: chrX-22077578-G-A. GRCh37 (hg19) VCF-style: chrX-22095696-G-A.
Other names: c.539G>A, p.Trp180Ter (NM_001282754.2); short protein forms W180*.
Identifiers: ClinVar variation 2698177 (VCV002698177.3), dbSNP rs2519754256, ClinGen allele CA412571437.
Genomic context (GRCh38, chrX:22,077,578, plus strand): 5'-TACGGCATTCACCTTTCCGCTGGCCCGTGCTTGAATCTAATATTGGCCCTGAAGGGGTTT[G>A]GTCAGAGAGAAAGTTCAGCCTTCTGCAGACACTTGCAACGTTTCGTGGTCAATACAGCAA-3'